The following is an entry in ClinVar:

ClinVar aggregate classification (germline): Uncertain significance. Review status: criteria provided, multiple submitters, no conflicts (2 of 4 stars). 2 submissions from 2 submitters: Uncertain significance (2). Last evaluated 2023-12-27.

Conditions:
Meckel-Gruber syndrome. Also called: DYSENCEPHALIA SPLANCHNOCYSTICA; GRUBER SYNDROME; Dysencephalia splachnocystica. Identifiers: Orphanet 564, MedGen C0265215, MONDO:0018921.
Joubert syndrome. Also called: CEREBELLOPARENCHYMAL DISORDER IV; JOUBERT-BOLTSHAUSER SYNDROME; Familial aplasia of the vermis. Identifiers: Orphanet 475, MedGen C5979921, MONDO:0018772.
Meckel syndrome, type 8. Identifiers: Orphanet 564, MedGen C3836857, MONDO:0013482, OMIM 613885.
Joubert syndrome 24 (JBTS24). Identifiers: Orphanet 475, MedGen C4084841, MONDO:0014724, OMIM 616654.

Allele frequency attached by ClinVar (database versions not stated): gnomAD exomes 0.00001.
gnomAD v4.1: 9 of 1,614,004 alleles (0.00056%); highest among the groups gnomAD compares: East Asian, 0.0022%; no homozygotes.

Submissions (2):

Fulgent Genetics
Classification: Uncertain significance for Meckel syndrome, type 8; Joubert syndrome 24. Last evaluated: 2023-12-27. Review status: criteria provided, single submitter. Criteria: ACMG Guidelines, 2015. Collection method: clinical testing. Allele origin: germline.

Labcorp Genetics (formerly Invitae), Labcorp
Classification: Uncertain significance for Joubert syndrome; Meckel-Gruber syndrome. Last evaluated: 2022-04-01. Review status: criteria provided, single submitter. Criteria: Invitae Variant Classification Sherloc (09022015). Collection method: clinical testing. Allele origin: germline.
Comment: In summary, the available evidence is currently insufficient to determine the role of this variant in disease. Therefore, it has been classified as a Variant of Uncertain Significance. Algorithms developed to predict the effect of missense changes on protein structure and function (SIFT, PolyPhen-2, Align-GVGD) all suggest that this variant is likely to be tolerated. This variant has not been reported in the literature in individuals affected with TCTN2-related conditions. This variant is present in population databases (rs757163495, gnomAD 0.0009%). This sequence change replaces alanine, which is neutral and non-polar, with threonine, which is neutral and polar, at codon 271 of the TCTN2 protein (p.Ala271Thr).

NM_024809.5(TCTN2):c.811G>A (p.Ala271Thr)

Gene: TCTN2 (tectonic family member 2; plus strand). Cytogenetic location: 12q24.31.
Variant type: single nucleotide variant.
Coding change: c.811G>A on transcript NM_024809.5 (MANE Select); coding-DNA position 811, G replaced by A.
Protein change: p.Ala271Thr; replaces alanine 271 with threonine.
Molecular consequence: missense variant.
Genome position (GRCh38, 1-based): chr12:123,688,097, G>A. VCF-style: chr12-123688097-G-A. GRCh37 (hg19) VCF-style: chr12-124172644-G-A.
Other names: c.808G>A, p.Ala270Thr (NM_001143850.3); c.811G>A, p.Ala271Thr (NM_001410989.1); short protein forms A270T, A271T.
Identifiers: ClinVar variation 1897444 (VCV001897444.4), dbSNP rs757163495, ClinGen allele CA245162107.